The following is an entry in ClinVar:

NM_000501.4(ELN):c.1768G>A (p.Ala590Thr)

Genes: ELN (elastin; plus strand), ELN-AS1 (ELN antisense RNA 1; minus strand). Cytogenetic location: 7q11.23.
Variant type: single nucleotide variant.
Coding change: c.1768G>A on transcript NM_000501.4 (MANE Select); coding-DNA position 1768, G replaced by A.
Protein change: p.Ala590Thr; replaces alanine 590 with threonine.
Molecular consequence: missense variant.
Genome position (GRCh38, 1-based): chr7:74,061,121, G>A. VCF-style: chr7-74061121-G-A. GRCh37 (hg19) VCF-style: chr7-73475451-G-A.
Other names: c.1681G>A, p.Ala561Thr (NM_001081752.3); c.1726G>A, p.Ala576Thr (NM_001081753.3); c.1783G>A, p.Ala595Thr (NM_001081754.3); c.1711G>A, p.Ala571Thr (NM_001081755.3); c.1768G>A, p.Ala590Thr (NM_001278912.2); c.1525G>A, p.Ala509Thr (NM_001278913.2); c.1696G>A, p.Ala566Thr (NM_001278914.2); c.1786G>A, p.Ala596Thr (NM_001278915.2); and 4 more; short protein forms A501T, A509T, A542T, A561T, A566T, A571T, A576T, A580T.
Identifiers: ClinVar variation 1050457 (VCV001050457.7), dbSNP rs868932429, ClinGen allele CA367887704.

ClinVar aggregate classification (germline): Uncertain significance. Review status: criteria provided, multiple submitters, no conflicts (2 of 4 stars). 3 submissions from 3 submitters: Uncertain significance (2). 1 of the submissions does not count toward it. Last evaluated 2023-01-28.

Conditions:
Supravalvar aortic stenosis (SVAS). Also called: Supravalvar aortic stenosis, Eisenberg type. Identifiers: Orphanet 3193, MedGen C0003499, MONDO:0008504, OMIM 185500, HP:0004381.

Allele frequency attached by ClinVar (database versions not stated): gnomAD exomes 0.00001; TOPMed 0.00001.

Submissions (3):

Labcorp Genetics (formerly Invitae), Labcorp
Classification: Uncertain significance for Supravalvar aortic stenosis. Last evaluated: 2023-01-28. Review status: criteria provided, single submitter. Criteria: Invitae Variant Classification Sherloc (09022015). Collection method: clinical testing. Allele origin: germline.
Comment: This variant is present in population databases (no rsID available, gnomAD 0.01%). This sequence change replaces alanine, which is neutral and non-polar, with threonine, which is neutral and polar, at codon 652 of the ELN protein (p.Ala652Thr). This variant has not been reported in the literature in individuals affected with ELN-related conditions. ClinVar contains an entry for this variant (Variation ID: 1050457). Advanced modeling of protein sequence and biophysical properties (such as structural, functional, and spatial information, amino acid conservation, physicochemical variation, residue mobility, and thermodynamic stability) performed at Invitae indicates that this missense variant is not expected to disrupt ELN protein function. In summary, the available evidence is currently insufficient to determine the role of this variant in disease. Therefore, it has been classified as a Variant of Uncertain Significance.

GeneDx
Classification: Uncertain significance. Last evaluated: 2019-05-01. Review status: criteria provided, single submitter. Criteria: GeneDx Variant Classification Process June 2021. Collection method: clinical testing. Allele origin: germline. Affected: yes.
Comment: Has not been previously published as pathogenic or benign to our knowledge; Not observed at a significant frequency in large population cohorts (Lek et al., 2016); In silico analysis, which includes protein predictors and evolutionary conservation, supports that this variant does not alter protein structure/function

Department of Pathology and Laboratory Medicine, Sinai Health System
Classification: Uncertain significance. Review status: no assertion criteria provided. Collection method: clinical testing. Allele origin: unknown. Affected: yes. Study: The Canadian Open Genetics Repository (COGR). Not counted in ClinVar's aggregate classification.
Comment: The ELN p.Ala542Thr was identified in dbSNP (ID: rs868932429) but not in the ClinVar, LOVD 3.0 or in the literature. The variant was identified in control databases in 3 of 251282 chromosomes at a frequency of 0.000012 (Genome Aggregation Database March 6, 2019, v2.1.1). The variant was observed in the following populations: East Asian in 2 of 18390 chromosomes (freq: 0.000109) and South Asian in 1 of 30616 chromosomes (freq: 0.000033); but was not observed in the African, Latino, Ashkenazi Jewish, European (Finnish), European (non-Finnish), or Other populations. The p.Ala542Thr residue is not conserved in mammals and four out of five computational analyses (PolyPhen-2, SIFT, AlignGVGD, BLOSUM, MutationTaster) do not suggest a high likelihood of impact to the protein; however, this information is not predictive enough to rule out pathogenicity. The variant occurs outside of the splicing consensus sequence and in silico or computational prediction software programs (SpliceSiteFinder, MaxEntScan, NNSPLICE, GeneSplicer) do not predict a difference in splicing. In summary, based on the above information the clinical significance of this variant cannot be determined with certainty at this time. This variant is classified as a variant of uncertain significance.